The following is an entry in ClinVar:

ClinVar aggregate classification (germline): Likely benign (0 of 4 stars; one submission).

Conditions:
TBX3-related disorder. Also called: TBX3-related condition.

Allele frequency attached by ClinVar (database versions not stated): gnomAD exomes below 0.00001.

Submission:

PreventionGenetics, part of Exact Sciences
Classification: Likely benign for TBX3-related condition. Last evaluated: 2022-12-22. Review status: no assertion criteria provided. Collection method: clinical testing. Allele origin: germline.
Comment: This variant is classified as likely benign based on ACMG/AMP sequence variant interpretation guidelines (Richards et al. 2015 PMID: 25741868, with internal and published modifications).

NM_005996.4(TBX3):c.1191C>T (p.Phe397=)

Gene: TBX3 (T-box transcription factor 3; minus strand). Cytogenetic location: 12q24.21.
Variant type: single nucleotide variant.
Coding change: c.1191C>T on transcript NM_005996.4 (MANE Select); coding-DNA position 1191, C replaced by T.
Protein change: p.Phe397=; no amino-acid change (phenylalanine 397 retained).
Molecular consequence: synonymous variant.
Genome position (GRCh38, 1-based): chr12:114,674,684, G>A on the plus strand (C>T on the coding strand, the complement: TBX3 is on the minus strand). VCF-style: chr12-114674684-G-A. GRCh37 (hg19) VCF-style: chr12-115112489-G-A.
Other names: c.1251C>T, p.Phe417= (NM_016569.4).
Identifiers: ClinVar variation 3047437 (VCV003047437.2), dbSNP rs1380113912, ClinGen allele CA482136171.